The following is an entry in ClinVar:

NM_001211.6(BUB1B):c.2510A>G (p.Gln837Arg)

Gene: BUB1B (BUB1 mitotic checkpoint serine/threonine kinase B; plus strand). Cytogenetic location: 15q15.1.
Variant type: single nucleotide variant.
Coding change: c.2510A>G on transcript NM_001211.6 (MANE Select); coding-DNA position 2510, A replaced by G.
Protein change: p.Gln837Arg; replaces glutamine 837 with arginine.
Molecular consequence: missense variant.
Genome position (GRCh38, 1-based): chr15:40,212,623, A>G. VCF-style: chr15-40212623-A-G. GRCh37 (hg19) VCF-style: chr15-40504824-A-G.
Other names: short protein forms Q837R.
Identifiers: ClinVar variation 1792394 (VCV001792394.3), dbSNP rs2542575613, ClinGen allele CA391695509.

ClinVar aggregate classification (germline): Uncertain significance (1 of 4 stars; one submission).

Conditions:
Inborn genetic diseases. Identifiers: MedGen C0950123, MeSH D030342.

Submission:

Ambry Genetics
Classification: Uncertain significance for Inborn genetic diseases. Last evaluated: 2025-04-17. Review status: criteria provided, single submitter. Criteria: Ambry Variant Classification Scheme 2023. Collection method: clinical testing. Allele origin: germline.
Comment: The p.Q837R variant (also known as c.2510A>G), located in coding exon 19 of the BUB1B gene, results from an A to G substitution at nucleotide position 2510. The glutamine at codon 837 is replaced by arginine, an amino acid with highly similar properties. This amino acid position is conserved. In addition, this alteration is predicted to be tolerated by in silico analysis. Since supporting evidence is limited at this time, the clinical significance of this alteration remains unclear.